The following is an entry in ClinVar:

NM_032447.5(FBN3):c.3143C>G (p.Pro1048Arg)

Gene: FBN3 (fibrillin 3; minus strand). Cytogenetic location: 19p13.2.
Variant type: single nucleotide variant.
Coding change: c.3143C>G on transcript NM_032447.5 (MANE Select); coding-DNA position 3143, C replaced by G.
Protein change: p.Pro1048Arg; replaces proline 1048 with arginine.
Molecular consequence: missense variant.
Genome position (GRCh38, 1-based): chr19:8,121,326, G>C on the plus strand (C>G on the coding strand, the complement: FBN3 is on the minus strand). VCF-style: chr19-8121326-G-C. GRCh37 (hg19) VCF-style: chr19-8186210-G-C.
Other names: c.3143C>G, p.Pro1048Arg (NM_001321431.2); short protein forms P1048R.
Identifiers: ClinVar variation 3662665 (VCV003662665.2).
Genomic context (GRCh38, chr19:8,121,326, plus strand): 5'-TTCTTCATCAGCATGAAGCCACTCTCGTAGCCGGGAAAACACTCGCACTCAAAGCTGCCC[G>C]GCGTGTTGACACAGGTGCCCTGGCCGCAGAGGTCAGGAGAGATGCGACACTCGTCGATAT-3'
Protein context (NP_115823.3, residues 1038-1058): LCGQGTCVNT[Pro1048Arg]GSFECECFPG

ClinVar aggregate classification (germline): Uncertain significance (1 of 4 stars; one submission).

Submission:

Labcorp Genetics (formerly Invitae), Labcorp
Classification: Uncertain significance. Last evaluated: 2025-05-25. Review status: criteria provided, single submitter. Criteria: Invitae Variant Classification Sherloc (09022015). Collection method: clinical testing. Allele origin: germline.
Comment: This sequence change replaces proline, which is neutral and non-polar, with arginine, which is basic and polar, at codon 1048 of the FBN3 protein (p.Pro1048Arg). This variant is not present in population databases (gnomAD no frequency). This variant has not been reported in the literature in individuals affected with FBN3-related conditions. ClinVar contains an entry for this variant (Variation ID: 3662665). Invitae Evidence Modeling of protein sequence and biophysical properties (such as structural, functional, and spatial information, amino acid conservation, physicochemical variation, residue mobility, and thermodynamic stability) indicates that this missense variant is not expected to disrupt FBN3 protein function with a negative predictive value of 80%. In summary, the available evidence is currently insufficient to determine the role of this variant in disease. Therefore, it has been classified as a Variant of Uncertain Significance.